The following is an entry in ClinVar:

ClinVar aggregate classification (germline): Uncertain significance (1 of 4 stars; one submission).

Allele frequency attached by ClinVar (database versions not stated): gnomAD 0.00001; TOPMed 0.00001; gnomAD exomes below 0.00001.
gnomAD v4.1: 7 of 1,552,872 alleles (0.00045%); highest among the groups gnomAD compares: South Asian, 0.0012%; no homozygotes.

Submission:

Labcorp Genetics (formerly Invitae), Labcorp
Classification: Uncertain significance. Last evaluated: 2025-12-15. Review status: criteria provided, single submitter. Criteria: Invitae Variant Classification Sherloc (09022015). Collection method: clinical testing. Allele origin: germline.
Comment: This sequence change replaces valine, which is neutral and non-polar, with methionine, which is neutral and non-polar, at codon 726 of the CLCN7 protein (p.Val726Met). This variant is not present in population databases (gnomAD no frequency). This variant has not been reported in the literature in individuals affected with CLCN7-related conditions. ClinVar contains an entry for this variant (Variation ID: 2892728). An algorithm developed to predict the effect of missense changes on protein structure and function (PolyPhen-2) suggests that this variant is likely to be disruptive. In summary, the available evidence is currently insufficient to determine the role of this variant in disease. Therefore, it has been classified as a Variant of Uncertain Significance.

NM_001287.6(CLCN7):c.2176G>A (p.Val726Met)

Gene: CLCN7 (Cl-/H+ antiporter 7; minus strand). Cytogenetic location: 16p13.3.
Variant type: single nucleotide variant.
Coding change: c.2176G>A on transcript NM_001287.6 (MANE Select); coding-DNA position 2176, G replaced by A.
Protein change: p.Val726Met; replaces valine 726 with methionine.
Molecular consequence: missense variant.
Genome position (GRCh38, 1-based): chr16:1,447,466, C>T on the plus strand (G>A on the coding strand, the complement: CLCN7 is on the minus strand). VCF-style: chr16-1447466-C-T. GRCh37 (hg19) VCF-style: chr16-1497467-C-T.
Other names: c.2104G>A, p.Val702Met (NM_001114331.3); short protein forms V702M, V726M.
Identifiers: ClinVar variation 2892728 (VCV002892728.3), dbSNP rs775845218, ClinGen allele CA7809901.